The following is an entry in ClinVar:

NM_004655.4(AXIN2):c.874G>A (p.Ala292Thr)

Gene: AXIN2 (axin 2; minus strand). Cytogenetic location: 17q24.1.
Variant type: single nucleotide variant.
Coding change: c.874G>A on transcript NM_004655.4 (MANE Select); coding-DNA position 874, G replaced by A.
Protein change: p.Ala292Thr; replaces alanine 292 with threonine.
Molecular consequence: missense variant.
Genome position (GRCh38, 1-based): chr17:65,549,602, C>T on the plus strand (G>A on the coding strand, the complement: AXIN2 is on the minus strand). VCF-style: chr17-65549602-C-T. GRCh37 (hg19) VCF-style: chr17-63545720-C-T.
Other names: c.874G>A, p.Ala292Thr (NM_001363813.1); short protein forms A292T.
Identifiers: ClinVar variation 5032640 (VCV005032640.1).

ClinVar aggregate classification (germline): Uncertain significance (1 of 4 stars; one submission).

Conditions:
Hereditary cancer-predisposing syndrome. Also called: Neoplastic Syndromes, Hereditary; Tumor predisposition; Hereditary neoplastic syndrome; Hereditary Cancer Syndrome. Identifiers: Orphanet 140162, MedGen C0027672, MeSH D009386, MONDO:0015356.

Submission:

Ambry Genetics
Classification: Uncertain significance for Hereditary cancer-predisposing syndrome. Last evaluated: 2026-07-07. Review status: criteria provided, single submitter. Criteria: Ambry Variant Classification Scheme 2023. Collection method: clinical testing. Allele origin: germline.
Comment: The p.A292T variant (also known as c.874G>A), located in coding exon 2 of the AXIN2 gene, results from a G to A substitution at nucleotide position 874. The alanine at codon 292 is replaced by threonine, an amino acid with similar properties. This amino acid position is conserved. In addition, this alteration is predicted to be deleterious by in silico analysis. Based on the available evidence, the clinical significance of this variant remains unclear.